The following is an entry in ClinVar:

NM_004787.4(SLIT2):c.2993A>T (p.Asn998Ile)

Gene: SLIT2 (slit guidance ligand 2; plus strand). Cytogenetic location: 4p15.31.
Variant type: single nucleotide variant.
Coding change: c.2993A>T on transcript NM_004787.4 (MANE Select); coding-DNA position 2993, A replaced by T.
Protein change: p.Asn998Ile; replaces asparagine 998 with isoleucine.
Molecular consequence: missense variant.
Genome position (GRCh38, 1-based): chr4:20,568,909, A>T. VCF-style: chr4-20568909-A-T. GRCh37 (hg19) VCF-style: chr4-20570532-A-T.
Other names: c.2981A>T, p.Asn994Ile (NM_001289135.3); c.2969A>T, p.Asn990Ile (NM_001289136.3); short protein forms N990I, N994I, N998I.
Identifiers: ClinVar variation 1950851 (VCV001950851.5), dbSNP rs757300419, ClinGen allele CA356466865.

ClinVar aggregate classification (germline): Uncertain significance (1 of 4 stars; one submission).

gnomAD v4.1: 2 of 1,612,490 alleles (0.00012%); highest among the groups gnomAD compares: South Asian, 0.0011%; no homozygotes.

Submission:

Labcorp Genetics (formerly Invitae), Labcorp
Classification: Uncertain significance. Last evaluated: 2022-05-15. Review status: criteria provided, single submitter. Criteria: Invitae Variant Classification Sherloc (09022015). Collection method: clinical testing. Allele origin: germline.
Comment: Algorithms developed to predict the effect of missense changes on protein structure and function (SIFT, PolyPhen-2, Align-GVGD) all suggest that this variant is likely to be disruptive. In summary, the available evidence is currently insufficient to determine the role of this variant in disease. Therefore, it has been classified as a Variant of Uncertain Significance. This variant has not been reported in the literature in individuals affected with SLIT2-related conditions. This sequence change replaces asparagine, which is neutral and polar, with isoleucine, which is neutral and non-polar, at codon 998 of the SLIT2 protein (p.Asn998Ile). This variant is present in population databases (no rsID available, gnomAD 0.003%).